The following is an entry in ClinVar:

NM_006208.3(ENPP1):c.491G>A (p.Cys164Tyr)

Gene: ENPP1 (ectonucleotide pyrophosphatase/phosphodiesterase 1; plus strand). Cytogenetic location: 6q23.2.
Variant type: single nucleotide variant.
Coding change: c.491G>A on transcript NM_006208.3 (MANE Select); coding-DNA position 491, G replaced by A.
Protein change: p.Cys164Tyr; replaces cysteine 164 with tyrosine.
Molecular consequence: missense variant.
Genome position (GRCh38, 1-based): chr6:131,851,202, G>A. VCF-style: chr6-131851202-G-A. GRCh37 (hg19) VCF-style: chr6-132172342-G-A.
Other names: short protein forms C164Y.
Identifiers: ClinVar variation 2116170 (VCV002116170.4), dbSNP rs397518476, ClinGen allele CA365661605.
Genomic context (GRCh38, chr6:131,851,202, plus strand): 5'-AACATATATGGACTTGCAACAAATTCAGGTGTGGTGAGAAAAGGTTGACCAGAAGCCTCT[G>A]TGCCTGTTCAGATGACTGCAAGGACAAGGGCGACTGCTGCATCAACTACAGTTCTGTGTG-3'
Protein context (NP_006199.2, residues 154-174): CGEKRLTRSL[Cys164Tyr]ACSDDCKDKG

ClinVar aggregate classification (germline): Uncertain significance (1 of 4 stars; one submission).

Submission:

Labcorp Genetics (formerly Invitae), Labcorp
Classification: Uncertain significance. Last evaluated: 2026-02-01. Review status: criteria provided, single submitter. Criteria: Invitae Variant Classification Sherloc (09022015). Collection method: clinical testing. Allele origin: germline.
Comment: This sequence change replaces cysteine, which is neutral and slightly polar, with tyrosine, which is neutral and polar, at codon 164 of the ENPP1 protein (p.Cys164Tyr). This variant is not present in population databases (gnomAD no frequency). This variant has not been reported in the literature in individuals affected with ENPP1-related conditions. ClinVar contains an entry for this variant (Variation ID: 2116170). Invitae Evidence Modeling of protein sequence and biophysical properties (such as structural, functional, and spatial information, amino acid conservation, physicochemical variation, residue mobility, and thermodynamic stability) indicates that this missense variant is expected to disrupt ENPP1 protein function with a positive predictive value of 80%. This variant disrupts the p.Cys164 amino acid residue in ENPP1. Other variant(s) that disrupt this residue have been determined to be pathogenic (PMID: 24075184, 28964717). This suggests that this residue is clinically significant, and that variants that disrupt this residue are likely to be disease-causing. In summary, the available evidence is currently insufficient to determine the role of this variant in disease. Therefore, it has been classified as a Variant of Uncertain Significance.

Literature cited by the submitters: PubMed 24075184; PubMed 28964717.